The following is an entry in ClinVar:

NM_017841.4(SDHAF2):c.19T>G (p.Phe7Val)

Gene: SDHAF2 (succinate dehydrogenase complex assembly factor 2; plus strand). Cytogenetic location: 11q12.2.
Variant type: single nucleotide variant.
Coding change: c.19T>G on transcript NM_017841.4 (MANE Select); coding-DNA position 19, T replaced by G.
Protein change: p.Phe7Val; replaces phenylalanine 7 with valine.
Molecular consequence: missense variant.
Genome position (GRCh38, 1-based): chr11:61,430,165, T>G. VCF-style: chr11-61430165-T-G. GRCh37 (hg19) VCF-style: chr11-61197637-T-G.
Other names: short protein forms F7V.
Identifiers: ClinVar variation 1996794 (VCV001996794.4), dbSNP rs2540110932, ClinGen allele CA380680166.

ClinVar aggregate classification (germline): Uncertain significance (1 of 4 stars; one submission).

Conditions:
Hereditary pheochromocytoma and paraganglioma. Also called: Hereditary paragangliomas and pheochromocytomas; Hereditary Paraganglioma-Pheochromocytoma Syndromes; Hereditary pheochromocytoma-paraganglioma. Identifiers: Orphanet 29072, MedGen C4274332, MONDO:0017366.

Submission:

Labcorp Genetics (formerly Invitae), Labcorp
Classification: Uncertain significance for Hereditary pheochromocytoma and paraganglioma. Last evaluated: 2022-05-20. Review status: criteria provided, single submitter. Criteria: Invitae Variant Classification Sherloc (09022015). Collection method: clinical testing. Allele origin: germline.
Comment: Algorithms developed to predict the effect of missense changes on protein structure and function (SIFT, PolyPhen-2, Align-GVGD) all suggest that this variant is likely to be tolerated. In summary, the available evidence is currently insufficient to determine the role of this variant in disease. Therefore, it has been classified as a Variant of Uncertain Significance. This variant has not been reported in the literature in individuals affected with SDHAF2-related conditions. This variant is not present in population databases (gnomAD no frequency). This sequence change replaces phenylalanine, which is neutral and non-polar, with valine, which is neutral and non-polar, at codon 7 of the SDHAF2 protein (p.Phe7Val).